The following is an entry in ClinVar:

NM_001113378.2(FANCI):c.106C>G (p.Gln36Glu)

Gene: FANCI (FA complementation group I; plus strand). Cytogenetic location: 15q26.1.
Variant type: single nucleotide variant.
Coding change: c.106C>G on transcript NM_001113378.2 (MANE Select); coding-DNA position 106, C replaced by G.
Protein change: p.Gln36Glu; replaces glutamine 36 with glutamic acid.
Molecular consequence: missense variant. On other transcripts: 5 prime UTR variant (1).
Genome position (GRCh38, 1-based): chr15:89,258,725, C>G. VCF-style: chr15-89258725-C-G. GRCh37 (hg19) VCF-style: chr15-89801956-C-G.
Other names: c.-174C>G (NM_001376910.1); c.106C>G, p.Gln36Glu (NM_001376911.1, NM_018193.3); short protein forms Q36E.
Identifiers: ClinVar variation 2098767 (VCV002098767.4), dbSNP rs2505813961, ClinGen allele CA393737353.
Genomic context (GRCh38, chr15:89,258,725, plus strand): 5'-ACTGTTGCCAGAGACTTGTACCTTTTTCTTTCTTTGCAGTTGACTAATCTCCTTCAGAAT[C>G]AAGCAGTGAAAGGAAAAGTTGCTGGAGCACTCCTGAGAGCCATCTTCAAAGGTAATAATA-3'
Protein context (NP_001106849.1, residues 26-46): EGDLTNLLQN[Gln36Glu]AVKGKVAGAL

ClinVar aggregate classification (germline): Uncertain significance (1 of 4 stars; one submission).

Conditions:
Fanconi anemia (FA). Also called: Fanconi's anemia. Identifiers: Orphanet 84, MedGen C0015625, MeSH D005199, MONDO:0019391.

Allele frequency attached by ClinVar (database versions not stated): gnomAD exomes below 0.00001.
gnomAD v4.1: 1 of 1,613,574 alleles (0.000062%); highest among the groups gnomAD compares: Non-Finnish European, 0.000085%; no homozygotes.

Submission:

Labcorp Genetics (formerly Invitae), Labcorp
Classification: Uncertain significance for Fanconi anemia. Last evaluated: 2022-08-31. Review status: criteria provided, single submitter. Criteria: Invitae Variant Classification Sherloc (09022015). Collection method: clinical testing. Allele origin: germline.
Comment: This variant is not present in population databases (gnomAD no frequency). This variant has not been reported in the literature in individuals affected with FANCI-related conditions. This sequence change replaces glutamine, which is neutral and polar, with glutamic acid, which is acidic and polar, at codon 36 of the FANCI protein (p.Gln36Glu). In summary, the available evidence is currently insufficient to determine the role of this variant in disease. Therefore, it has been classified as a Variant of Uncertain Significance. Algorithms developed to predict the effect of missense changes on protein structure and function output the following: SIFT: "Tolerated"; PolyPhen-2: "Benign"; Align-GVGD: "Class C0". The glutamic acid amino acid residue is found in multiple mammalian species, which suggests that this missense change does not adversely affect protein function.